The following is an entry in ClinVar:

ClinVar aggregate classification (germline): Pathogenic (1 of 4 stars; one submission).

Conditions:
Fabry disease. Also called: ALPHA-GALACTOSIDASE A DEFICIENCY; ANDERSON-FABRY DISEASE; CERAMIDE TRIHEXOSIDASE DEFICIENCY; GLA DEFICIENCY; HEREDITARY DYSTOPIC LIPIDOSIS; Angiokeratoma corporis diffusum. Identifiers: Orphanet 324, MedGen C0002986, MONDO:0010526, OMIM 301500, HP:0001071. Disease mechanism: Fabry disease is due to inactivating mutations in the X-linked GLA gene resulting in deficiency of the enzyme Alpha Galactosidase-A., loss of function.

Submission:

Genomenon, Inc
Classification: Pathogenic for Fabry disease. Last evaluated: 2026-09-08. Review status: criteria provided, single submitter. Criteria: Genomenon Sequence Variant Interpretation Standards - Updated. Collection method: curation. Allele origin: germline. Affected: yes.
Comment: GLA p.Ile289TyrfsTer10 (c.864dup) is a frameshift variant that is predicted to introduce a premature termination codon and result in a truncated or absent protein product. This variant has been observed in at least one proband with clinical features consistent with Fabry disease (PMID:36383556). It is absent or not present at a significant frequency in gnomAD. In conclusion, we classify GLA p.Ile289TyrfsTer10 (c.864dup) as a pathogenic variant.

Literature cited by the submitters: PubMed 36383556.

NM_000169.3(GLA):c.864dup (p.Ile289fs)

Genes: GLA (galactosidase alpha; minus strand), RPL36A-HNRNPH2 (RPL36A-HNRNPH2 readthrough; plus strand). Cytogenetic location: Xq22.1.
Variant type: Duplication.
Coding change: c.864dup on transcript NM_000169.3 (MANE Select); coding-DNA position 864, one base duplicated (T; older notation c.864dupT).
Protein change: p.Ile289fs; shifts the reading frame from isoleucine 289.
Molecular consequence: frameshift variant. On other transcripts: non-coding transcript variant (3), intron variant (2).
Genome position (GRCh38, 1-based): chrX:101,398,505, A duplicated on the plus strand (T on the coding strand, the reverse complement: GLA is on the minus strand). VCF-style (leftmost placement, unchanged base first): chrX-101398504-T-TA. GRCh37 (hg19) VCF-style: chrX-100653492-T-TA.
Other names: c.987dup, p.Ile330fs (NM_001406747.1); c.864dup, p.Ile289fs (NM_001406748.1); c.300+3048dup (NM_001199973.2); c.177+6683dup (NM_001199974.2); short protein forms I289fs, I330fs.
Identifiers: ClinVar variation 4087015 (VCV004087015.2).